The following is an entry in ClinVar:

ClinVar aggregate classification (germline): Pathogenic (1 of 4 stars; one submission).

Conditions:
Myopathy, lactic acidosis, and sideroblastic anemia 1 (MLASA1). Identifiers: Orphanet 2598, MedGen C4551958, MONDO:0024553, OMIM 600462.

Submission:

Myriad Genetics, Inc.
Classification: Pathogenic for Myopathy, lactic acidosis, and sideroblastic anemia 1. Last evaluated: 2026-05-08. Review status: criteria provided, single submitter. Criteria: Myriad Autosomal Dominant, Autosomal Recessive and X-Linked Classification Criteria (2023). Collection method: clinical testing. Allele origin: unknown.
Comment: NM_025215.5(PUS1):c.759dupG(P254Afs*58) is a frameshift variant classified as pathogenic in the context of myopathy, lactic acidosis, and sideroblastic anemia 1. P254Afs*58 has not been observed in cases with relevant disease. Relevant functional assessments of this variant are not available in the literature. P254Afs*58 has not been observed in referenced population frequency databases. In summary, NM_025215.5(PUS1):c.759dupG(P254Afs*58) is a frameshift variant in a gene where loss of function is a known mechanism of disease and is predicted to disrupt protein function. Please note: this variant was assessed in the context of healthy population screening.

NM_025215.6(PUS1):c.759dup (p.Pro254fs)

Gene: PUS1 (pseudouridine synthase 1; plus strand). Cytogenetic location: 12q24.33.
Variant type: Duplication.
Coding change: c.759dup on transcript NM_025215.6 (MANE Select); coding-DNA position 759, one base duplicated (G; older notation c.759dupG).
Protein change: p.Pro254fs; shifts the reading frame from proline 254.
Molecular consequence: frameshift variant.
Genome position (GRCh38, 1-based): chr12:131,941,506, G duplicated; the last of 4 consecutive G bases (chr12:131,941,503-131,941,506); duplicating any one gives the same sequence. VCF-style (leftmost placement, unchanged base first): chr12-131941502-A-AG. GRCh37 (hg19) VCF-style: chr12-132426047-A-AG.
Other names: c.675dup, p.Pro226fs (NM_001002019.3, NM_001002020.3); short protein forms P226fs, P254fs.
Identifiers: ClinVar variation 5003857 (VCV005003857.1).